The following is an entry in ClinVar:

NM_007294.4(BRCA1):c.1152dup (p.Trp385fs)

Gene: BRCA1 (BRCA1 DNA repair associated; minus strand). Cytogenetic location: 17q21.31.
Variant type: Duplication.
Coding change: c.1152dup on transcript NM_007294.4 (MANE Select); coding-DNA position 1152, one base duplicated (G; older notation c.1152dupG).
Protein change: p.Trp385fs; shifts the reading frame from tryptophan 385.
Molecular consequence: frameshift variant. On other transcripts: intron variant (137).
Genome position (GRCh38, 1-based): chr17:43,094,379, C duplicated on the plus strand (G on the coding strand, the reverse complement: BRCA1 is on the minus strand). VCF-style (leftmost placement, unchanged base first): chr17-43094378-A-AC. GRCh37 (hg19) VCF-style: chr17-41246395-A-AC.
Other names: 1271insG; c.1152dupG (NM_007294.3); c.939dup, p.Trp314fs (NM_001407571.1, NM_001407853.1, NM_001407894.1 and 9 more transcripts); c.1152dup, p.Trp385fs (NM_001407581.1, NM_001407582.1, NM_001407583.1 and 30 more transcripts); c.1149dup, p.Trp384fs (NM_001407587.1, NM_001407590.1, NM_001407591.1 and 22 more transcripts); c.1143dup, p.Trp382fs (NM_001407646.1, NM_001407647.1); c.1029dup, p.Trp344fs (NM_001407648.1, NM_001407664.1, NM_001407665.1 and 19 more transcripts); c.1026dup, p.Trp343fs (NM_001407649.1, NM_001407670.1, NM_001407671.1 and 11 more transcripts); and 42 more; short protein forms W338fs, W385fs, W274fs, W296fs, W314fs, W382fs, W273fs, W315fs.
Identifiers: ClinVar variation 54148 (VCV000054148.7), dbSNP rs397508841, ClinGen allele CA327721.

ClinVar aggregate classification (germline): Pathogenic. Review status: reviewed by expert panel (3 of 4 stars). 2 submissions from 2 submitters: Pathogenic (1). 1 of the submissions does not count toward it. Last evaluated 2016-10-18.

Conditions:
Breast-ovarian cancer, familial, susceptibility to, 1 (BROVCA1). Also called: OVARIAN CANCER, SUSCEPTIBILITY TO; BRCA1 Hereditary Breast and Ovarian Cancer. Identifiers: Orphanet 145, MedGen C2676676, MONDO:0011450, OMIM 604370. Disease mechanism: loss of function.

Submissions (2):

Evidence-based Network for the Interpretation of Germline Mutant Alleles (ENIGMA)
Classification: Pathogenic for Breast-ovarian cancer, familial, susceptibility to, 1. Last evaluated: 2016-10-18. Review status: reviewed by expert panel. Criteria: ENIGMA BRCA1/2 Classification Criteria (2015). Collection method: curation. Allele origin: germline.
Comment: Variant allele predicted to encode a truncated non-functional protein.

Consortium of Investigators of Modifiers of BRCA1/2 (CIMBA), c/o University of Cambridge
Classification: Pathogenic for Breast-ovarian cancer, familial, susceptibility to, 1. Last evaluated: 2015-10-02. Review status: criteria provided, single submitter. Criteria: CIMBA Mutation Classification guidelines May 2016. Collection method: clinical testing. Allele origin: germline. Not counted in ClinVar's aggregate classification.